The following is an entry in ClinVar:

ClinVar aggregate classification (germline): Uncertain significance (1 of 4 stars; one submission).

Submission:

CeGaT Center for Human Genetics Tuebingen
Classification: Uncertain significance. Last evaluated: 2024-11-01. Review status: criteria provided, single submitter. Criteria: CeGaT Center For Human Genetics Tuebingen Variant Classification Criteria Version 2. Collection method: clinical testing. Allele origin: germline. Affected: yes. Observed: 1 variant allele.
Comment: MIB1: PVS1:Moderate

NM_020774.4(MIB1):c.1901del (p.Thr634fs)

Gene: MIB1 (MIB E3 ubiquitin protein ligase 1; plus strand). Cytogenetic location: 18q11.2.
Variant type: Deletion.
Coding change: c.1901del on transcript NM_020774.4 (MANE Select); coding-DNA position 1901, one base deleted (C; older notation c.1901delC).
Protein change: p.Thr634fs; shifts the reading frame from threonine 634.
Molecular consequence: frameshift variant.
Genome position (GRCh38, 1-based): chr18:21,838,436, C deleted. VCF-style (leftmost placement, unchanged base first): chr18-21838435-AC-A. GRCh37 (hg19) VCF-style: chr18-19418396-AC-A.
Other names: short protein forms T634fs.
Identifiers: ClinVar variation 3390215 (VCV003390215.14).